The following is an entry in ClinVar:

ClinVar aggregate classification (germline): Pathogenic (1 of 4 stars; one submission).

Submission:

Labcorp Genetics (formerly Invitae), Labcorp
Classification: Pathogenic. Last evaluated: 2023-08-29. Review status: criteria provided, single submitter. Criteria: Invitae Variant Classification Sherloc (09022015). Collection method: clinical testing. Allele origin: germline.
Comment: This sequence change creates a premature translational stop signal (p.Gln128*) in the TPP1 gene. It is expected to result in an absent or disrupted protein product. Loss-of-function variants in TPP1 are known to be pathogenic (PMID: 10330339). This variant is not present in population databases (gnomAD no frequency). This variant has not been reported in the literature in individuals affected with TPP1-related conditions. For these reasons, this variant has been classified as Pathogenic.

Literature cited by the submitters: PubMed 10330339.

NM_000391.4(TPP1):c.382C>T (p.Gln128Ter)

Gene: TPP1 (tripeptidyl peptidase 1; minus strand). Cytogenetic location: 11p15.4.
Variant type: single nucleotide variant.
Coding change: c.382C>T on transcript NM_000391.4 (MANE Select); coding-DNA position 382, C replaced by T.
Protein change: p.Gln128Ter; replaces glutamine 128 with a stop codon.
Molecular consequence: nonsense.
Genome position (GRCh38, 1-based): chr11:6,617,427, G>A on the plus strand (C>T on the coding strand, the complement: TPP1 is on the minus strand). VCF-style: chr11-6617427-G-A. GRCh37 (hg19) VCF-style: chr11-6638658-G-A.
Other names: short protein forms Q128*.
Identifiers: ClinVar variation 2756383 (VCV002756383.3), dbSNP rs2493800029, ClinGen allele CA379476082.
Genomic context (GRCh38, chr11:6,617,427, plus strand): 5'-TTTCCGTAGGTCCTCCCACATAGTGATGAAACTCAGCCCCAGGGAGCAGCAGCTCTGCTT[G>A]TCTGGAGGTCAGAGAACAGAGGTCAGAAAGCTCAAAACGGAACAGAAGAAGCTACCTCTG-3'